The following is an entry in ClinVar:

NM_000543.5(SMPD1):c.1429C>A (p.Pro477Thr)

Gene: SMPD1 (sphingomyelin phosphodiesterase 1; plus strand). Cytogenetic location: 11p15.4.
Variant type: single nucleotide variant.
Coding change: c.1429C>A on transcript NM_000543.5 (MANE Select); coding-DNA position 1429, C replaced by A.
Protein change: p.Pro477Thr; replaces proline 477 with threonine.
Molecular consequence: missense variant. On other transcripts: non-coding transcript variant (2).
Genome position (GRCh38, 1-based): chr11:6,393,984, C>A. VCF-style: chr11-6393984-C-A. GRCh37 (hg19) VCF-style: chr11-6415214-C-A.
Other names: c.1426C>A, p.Pro476Thr (NM_001007593.3); c.1429C>A, p.Pro477Thr (NM_001318087.2); c.508C>A, p.Pro170Thr (NM_001318088.2); c.1297C>A, p.Pro433Thr (NM_001365135.2); c.1429C>A (NM_000543.4); short protein forms P170T, P433T, P476T, P477T.
Identifiers: ClinVar variation 1173976 (VCV001173976.3), dbSNP rs2134021440, ClinGen allele CA379375285.

ClinVar aggregate classification (germline): Likely pathogenic. Review status: criteria provided, multiple submitters, no conflicts (2 of 4 stars). 2 submissions from 2 submitters: Likely pathogenic (2). Last evaluated 2024-05-03.

Conditions:
Niemann-Pick disease, type A. Also called: Infantile Neurovisceral ASMD (Niemann-Pick Disease Type A; NPD-A); SPHINGOMYELIN LIPIDOSIS; SPHINGOMYELINASE DEFICIENCY. Identifiers: Orphanet 77292, MedGen C0268242, MONDO:0009756, OMIM 257200. Disease mechanism: loss of function.

Submissions (2):

Natera, Inc.
Classification: Likely pathogenic for Niemann-Pick Disease, Types A/B. Last evaluated: 2024-05-03. Review status: criteria provided, single submitter. Criteria: Natera Variant Classification Schema (03/2026). Collection method: clinical testing. Allele origin: germline.
Comment: The c.1429C>A variant in SMPD1 is a missense variant predicted to cause substitution of proline to threonine at amino acid 477. This variant is rare in the general population with a frequency below the threshold expected for the associated phenotype(s). This variant has been observed in one or more individuals affected with the associated recessive disease, as either homozygous or compound heterozygous with a second variant (PMID: 34273913). A different variant at the same position has been determined to be Pathogenic or Likely Pathogenic. Computational prediction algorithms indicate this variant is likely to affect gene or protein function. Given the available evidence, this variant is classified as Likely Pathogenic.

Diagnostics Division, CENTRE FOR DNA FINGERPRINTING AND DIAGNOSTICS
Classification: Likely pathogenic for Niemann-Pick disease, type A. Last evaluated: 2021-04-25. Review status: criteria provided, single submitter. Criteria: ACMG Guidelines, 2015. Collection method: research. Allele origin: germline. Affected: yes. Observed: 1 variant allele.

Literature cited by the submitters: PubMed 34273913 (cited by Natera, Inc.).